The following is an entry in ClinVar:

ClinVar aggregate classification (germline): Uncertain significance (1 of 4 stars; one submission).

Conditions:
Episodic ataxia type 1 (EA1). Also called: ATAXIA, EPISODIC, WITH MYOKYMIA; MYOKYMIA WITH PERIODIC ATAXIA; PAROXYSMAL ATAXIA WITH NEUROMYOTONIA, HEREDITARY; Episodic ataxia/myokymia syndrome. Identifiers: Orphanet 37612, Orphanet 972, MedGen C1719788, MONDO:0008047, OMIM 160120.

Submission:

Labcorp Genetics (formerly Invitae), Labcorp
Classification: Uncertain significance for Episodic ataxia type 1. Last evaluated: 2024-01-25. Review status: criteria provided, single submitter. Criteria: Invitae Variant Classification Sherloc (09022015). Collection method: clinical testing. Allele origin: germline.
Comment: This sequence change creates a premature translational stop signal (p.Asn255Glufs*21) in the KCNA1 gene. While this is not anticipated to result in nonsense mediated decay, it is expected to disrupt the last 241 amino acid(s) of the KCNA1 protein. This variant is not present in population databases (gnomAD no frequency). This variant has not been reported in the literature in individuals affected with KCNA1-related conditions. In summary, the available evidence is currently insufficient to determine the role of this variant in disease. Therefore, it has been classified as a Variant of Uncertain Significance.

NM_000217.3(KCNA1):c.762dup (p.Asn255fs)

Gene: KCNA1 (potassium voltage-gated channel subfamily A member 1; plus strand). Cytogenetic location: 12p13.32.
Variant type: Duplication.
Coding change: c.762dup on transcript NM_000217.3 (MANE Select); coding-DNA position 762, one base duplicated (G; older notation c.762dupG).
Protein change: p.Asn255fs; shifts the reading frame from asparagine 255.
Molecular consequence: frameshift variant.
Genome position (GRCh38, 1-based): chr12:4,912,140, G duplicated. VCF-style (leftmost placement, unchanged base first): chr12-4912139-T-TG. GRCh37 (hg19) VCF-style: chr12-5021305-T-TG.
Other names: short protein forms N255fs.
Identifiers: ClinVar variation 2711368 (VCV002711368.3), dbSNP rs2497353095, ClinGen allele CA2697559071.